The following is an entry in ClinVar:

ClinVar aggregate classification (germline): Uncertain significance (1 of 4 stars; one submission).

Submission:

Labcorp Genetics (formerly Invitae), Labcorp
Classification: Uncertain significance. Last evaluated: 2025-03-10. Review status: criteria provided, single submitter. Criteria: Invitae Variant Classification Sherloc (09022015). Collection method: clinical testing. Allele origin: germline.
Comment: This sequence change replaces serine, which is neutral and polar, with asparagine, which is neutral and polar, at codon 861 of the PROM1 protein (p.Ser861Asn). This variant also falls at the last nucleotide of exon 25, which is part of the consensus splice site for this exon. This variant is not present in population databases (gnomAD no frequency). This variant has not been reported in the literature in individuals affected with PROM1-related conditions. An algorithm developed to predict the effect of missense changes on protein structure and function (PolyPhen-2) suggests that this variant is likely to be disruptive. Variants that disrupt the consensus splice site are a relatively common cause of aberrant splicing (PMID: 17576681, 9536098). Algorithms developed to predict the effect of sequence changes on RNA splicing suggest that this variant may disrupt the consensus splice site. In summary, the available evidence is currently insufficient to determine the role of this variant in disease. Therefore, it has been classified as a Variant of Uncertain Significance.

Literature cited by the submitters: PubMed 17576681; PubMed 9536098.

NM_006017.3(PROM1):c.2582G>A (p.Ser861Asn)

Gene: PROM1 (prominin 1; minus strand). Cytogenetic location: 4p15.32.
Variant type: single nucleotide variant.
Coding change: c.2582G>A on transcript NM_006017.3 (MANE Select); coding-DNA position 2582, G replaced by A.
Protein change: p.Ser861Asn; replaces serine 861 with asparagine.
Molecular consequence: missense variant. On other transcripts: non-coding transcript variant (2), intron variant (6).
Genome position (GRCh38, 1-based): chr4:15,979,395, C>T on the plus strand (G>A on the coding strand, the complement: PROM1 is on the minus strand). VCF-style: chr4-15979395-C-T. GRCh37 (hg19) VCF-style: chr4-15981018-C-T.
Other names: c.2555G>A, p.Ser852Asn (NM_001145847.2, NM_001145848.2, NM_001371406.1); c.2552G>A, p.Ser851Asn (NM_001441173.1); c.2471G>A, p.Ser824Asn (NM_001441174.1); c.2462G>A, p.Ser821Asn (NM_001441175.1, NM_001441176.1); c.2450G>A, p.Ser817Asn (NM_001441177.1); c.2390G>A, p.Ser797Asn (NM_001441178.1); c.2216G>A, p.Ser739Asn (NM_001441179.1); c.2462+1027G>A (NM_001145852.2, NM_001371408.1, NM_001371407.1); and 3 more; short protein forms S739N, S797N, S817N, S821N, S824N, S851N, S852N, S861N.
Identifiers: ClinVar variation 4803707 (VCV004803707.1).